The following is an entry in ClinVar:

ClinVar aggregate classification (germline): Uncertain significance. Review status: criteria provided, multiple submitters, no conflicts (2 of 4 stars). 3 submissions from 3 submitters: Uncertain significance (3). Last evaluated 2025-12-23.

Conditions:
PKD1L1-related disorder. Also called: PKD1L1-related condition.
Inborn genetic diseases. Identifiers: MedGen C0950123, MeSH D030342.

gnomAD v4.1: 13 of 1,614,074 alleles (0.00081%); highest among the groups gnomAD compares: East Asian, 0.027%; no homozygotes.

Submissions (3):

PreventionGenetics, part of Exact Sciences
Classification: Uncertain significance for PKD1L1-related condition. Last evaluated: 2025-12-23. Review status: criteria provided, single submitter. Criteria: ACMG Guidelines, 2015. Collection method: clinical testing. Allele origin: germline.
Comment: The PKD1L1 c.3067G>A variant is predicted to result in the amino acid substitution p.Gly1023Arg. To our knowledge, this variant has not been reported in the literature. This variant is reported in 0.045% of alleles in individuals of East Asian descent in gnomAD. At this time, the clinical significance of this variant is uncertain due to the absence of conclusive functional and genetic evidence.

Labcorp Genetics (formerly Invitae), Labcorp
Classification: Uncertain significance. Last evaluated: 2025-10-21. Review status: criteria provided, single submitter. Criteria: Invitae Variant Classification Sherloc (09022015). Collection method: clinical testing. Allele origin: germline.
Comment: This sequence change replaces glycine, which is neutral and non-polar, with arginine, which is basic and polar, at codon 1023 of the PKD1L1 protein (p.Gly1023Arg). This variant is present in population databases (rs756003713, gnomAD 0.04%). This variant has not been reported in the literature in individuals affected with PKD1L1-related conditions. ClinVar contains an entry for this variant (Variation ID: 3889329). Invitae Evidence Modeling of protein sequence and biophysical properties (such as structural, functional, and spatial information, amino acid conservation, physicochemical variation, residue mobility, and thermodynamic stability) indicates that this missense variant is not expected to disrupt PKD1L1 protein function with a negative predictive value of 80%. In summary, the available evidence is currently insufficient to determine the role of this variant in disease. Therefore, it has been classified as a Variant of Uncertain Significance.

Ambry Genetics
Classification: Uncertain significance for Inborn genetic diseases. Last evaluated: 2025-02-07. Review status: criteria provided, single submitter. Criteria: Ambry Variant Classification Scheme 2023. Collection method: clinical testing. Allele origin: germline.

NM_138295.5(PKD1L1):c.3067G>A (p.Gly1023Arg)

Gene: PKD1L1 (polycystin 1 like 1, transient receptor potential channel interacting; minus strand). Cytogenetic location: 7p12.3.
Variant type: single nucleotide variant.
Coding change: c.3067G>A on transcript NM_138295.5 (MANE Select); coding-DNA position 3067, G replaced by A.
Protein change: p.Gly1023Arg; replaces glycine 1023 with arginine.
Molecular consequence: missense variant.
Genome position (GRCh38, 1-based): chr7:47,885,824, C>T on the plus strand (G>A on the coding strand, the complement: PKD1L1 is on the minus strand). VCF-style: chr7-47885824-C-T. GRCh37 (hg19) VCF-style: chr7-47925422-C-T.
Other names: short protein forms G1023R.
Identifiers: ClinVar variation 3889329 (VCV003889329.3).